The following is an entry in ClinVar:

ClinVar aggregate classification (germline): Uncertain significance (1 of 4 stars; one submission).

Conditions:
Hyperaldosteronism, familial, type IV (HALD4). Also called: FH IV; ALDOSTERONISM, PRIMARY, AND HYPERTENSION. Identifiers: Orphanet 642671, MedGen C4310756, MONDO:0014875, OMIM 617027.
Idiopathic generalized epilepsy. Also called: Generalised epilepsy; EIG. Identifiers: MedGen C0270850, MONDO:0005579, OMIM 600669.

Allele frequency attached by ClinVar (database versions not stated): TOPMed below 0.00001.

Submission:

Labcorp Genetics (formerly Invitae), Labcorp
Classification: Uncertain significance for Idiopathic generalized epilepsy; Hyperaldosteronism, familial, type IV. Last evaluated: 2022-04-26. Review status: criteria provided, single submitter. Criteria: Invitae Variant Classification Sherloc (09022015). Collection method: clinical testing. Allele origin: germline.
Comment: In summary, the available evidence is currently insufficient to determine the role of this variant in disease. Therefore, it has been classified as a Variant of Uncertain Significance. Advanced modeling of protein sequence and biophysical properties (such as structural, functional, and spatial information, amino acid conservation, physicochemical variation, residue mobility, and thermodynamic stability) performed at Invitae indicates that this missense variant is not expected to disrupt CACNA1H protein function. ClinVar contains an entry for this variant (Variation ID: 1061686). This variant has not been reported in the literature in individuals affected with CACNA1H-related conditions. This variant is not present in population databases (gnomAD no frequency). This sequence change replaces proline, which is neutral and non-polar, with serine, which is neutral and polar, at codon 856 of the CACNA1H protein (p.Pro856Ser).

NM_021098.3(CACNA1H):c.2566C>T (p.Pro856Ser)

Gene: CACNA1H (calcium voltage-gated channel subunit alpha1 H; plus strand). Cytogenetic location: 16p13.3.
Variant type: single nucleotide variant.
Coding change: c.2566C>T on transcript NM_021098.3 (MANE Select); coding-DNA position 2566, C replaced by T.
Protein change: p.Pro856Ser; replaces proline 856 with serine.
Molecular consequence: missense variant.
Genome position (GRCh38, 1-based): chr16:1,205,228, C>T. VCF-style: chr16-1205228-C-T. GRCh37 (hg19) VCF-style: chr16-1255228-C-T.
Other names: c.2566C>T, p.Pro856Ser (NM_001005407.2); short protein forms P856S.
Identifiers: ClinVar variation 1061686 (VCV001061686.9), dbSNP rs1968541498, ClinGen allele CA394167588.